The following is an entry in ClinVar:

NM_001734.5(C1S):c.952C>T (p.Gln318Ter)

Gene: C1S (complement C1s; plus strand). Cytogenetic location: 12p13.31.
Variant type: single nucleotide variant.
Coding change: c.952C>T on transcript NM_001734.5 (MANE Select); coding-DNA position 952, C replaced by T.
Protein change: p.Gln318Ter; replaces glutamine 318 with a stop codon.
Molecular consequence: nonsense.
Genome position (GRCh38, 1-based): chr12:7,066,598, C>T. VCF-style: chr12-7066598-C-T. GRCh37 (hg19) VCF-style: chr12-7173902-C-T.
Other names: c.451C>T, p.Gln151Ter (NM_001346850.2); c.952C>T, p.Gln318Ter (NM_201442.4); short protein forms Q151*, Q318*.
Identifiers: ClinVar variation 2838992 (VCV002838992.3), dbSNP rs2539601537, ClinGen allele CA383699129.

ClinVar aggregate classification (germline): Pathogenic (1 of 4 stars; one submission).

Allele frequency attached by ClinVar (database versions not stated): gnomAD exomes below 0.00001.
gnomAD v4.1: 3 of 1,613,502 alleles (0.00019%); highest among the groups gnomAD compares: Non-Finnish European, 0.00025%; no homozygotes.

Submission:

Labcorp Genetics (formerly Invitae), Labcorp
Classification: Pathogenic. Last evaluated: 2023-02-19. Review status: criteria provided, single submitter. Criteria: Invitae Variant Classification Sherloc (09022015). Collection method: clinical testing. Allele origin: germline.
Comment: This sequence change creates a premature translational stop signal (p.Gln318*) in the C1S gene. It is expected to result in an absent or disrupted protein product. Loss-of-function variants in C1S are known to be pathogenic (PMID: 18062908). This variant is not present in population databases (gnomAD no frequency). This variant has not been reported in the literature in individuals affected with C1S-related conditions. Algorithms developed to predict the effect of sequence changes on RNA splicing suggest that this variant may disrupt the consensus splice site. For these reasons, this variant has been classified as Pathogenic.

Literature cited by the submitters: PubMed 18062908.